The following is an entry in ClinVar:

NM_021830.5(TWNK):c.2032G>A (p.Asp678Asn)

Gene: TWNK (twinkle mtDNA helicase; plus strand). Cytogenetic location: 10q24.31.
Variant type: single nucleotide variant.
Coding change: c.2032G>A on transcript NM_021830.5 (MANE Select); coding-DNA position 2032, G replaced by A.
Protein change: p.Asp678Asn; replaces aspartic acid 678 with asparagine.
Molecular consequence: missense variant. On other transcripts: 3 prime UTR variant (2), non-coding transcript variant (5).
Genome position (GRCh38, 1-based): chr10:100,993,487, G>A. VCF-style: chr10-100993487-G-A. GRCh37 (hg19) VCF-style: chr10-102753244-G-A.
Other names: c.*327G>A (NM_001163812.2, NM_001163814.2); c.670G>A, p.Asp224Asn (NM_001163813.2, NM_001368275.1); short protein forms D224N, D678N.
Identifiers: ClinVar variation 2799079 (VCV002799079.3), dbSNP rs2493651510, ClinGen allele CA378212917.

ClinVar aggregate classification (germline): Uncertain significance (1 of 4 stars; one submission).

Submission:

Labcorp Genetics (formerly Invitae), Labcorp
Classification: Uncertain significance. Last evaluated: 2023-10-23. Review status: criteria provided, single submitter. Criteria: Invitae Variant Classification Sherloc (09022015). Collection method: clinical testing. Allele origin: germline.
Comment: This sequence change replaces aspartic acid, which is acidic and polar, with asparagine, which is neutral and polar, at codon 678 of the TWNK protein (p.Asp678Asn). This variant is not present in population databases (gnomAD no frequency). This variant has not been reported in the literature in individuals affected with TWNK-related conditions. Advanced modeling of protein sequence and biophysical properties (such as structural, functional, and spatial information, amino acid conservation, physicochemical variation, residue mobility, and thermodynamic stability) performed at Invitae indicates that this missense variant is not expected to disrupt TWNK protein function with a negative predictive value of 95%. In summary, the available evidence is currently insufficient to determine the role of this variant in disease. Therefore, it has been classified as a Variant of Uncertain Significance.